The following is an entry in ClinVar:

NC_012920.1(MT-TA):m.5628T>C

Gene: MT-TA (mitochondrially encoded tRNA alanine; minus strand).
Variant type: single nucleotide variant.
Genome position: chrM-5628-T-C.
Identifiers: ClinVar variation 689961 (VCV000689961.1), dbSNP rs1556423015, ClinGen allele CA913180058.

ClinVar aggregate classification (germline): Benign (1 of 4 stars; one submission).

Conditions:
MELAS syndrome (MELAS). Also called: Juvenile myopathy, encephalopathy, lactic acidosis, stroke. Identifiers: Orphanet 550, MedGen C0162671, MONDO:0010789, OMIM 540000.

Submission:

Wong Mito Lab, Molecular and Human Genetics, Baylor College of Medicine
Classification: Benign for MELAS syndrome. Last evaluated: 2019-07-12. Review status: criteria provided, single submitter. Criteria: Modified ACMG Guidelines (Unpublished). Collection method: clinical testing. Allele origin: germline.
Comment: The NC_012920.1:m.5628T>C variant in MT-TA gene is interpreted to be a Benign variant based on the modified ACMG guidelines (unpublished). This variant meets the following evidence codes reported in the guidelines: PM7, BS1, BS2, BS4

Literature cited by the submitters: PubMed 31965079; PubMed 11404121.